The following is an entry in ClinVar:

ClinVar aggregate classification (germline): Pathogenic (1 of 4 stars; one submission).

Conditions:
Sjögren-Larsson syndrome (SLS). Also called: FALDH DEFICIENCY; FATTY ALCOHOL:NAD+ OXIDOREDUCTASE DEFICIENCY; FATTY ALDEHYDE DEHYDROGENASE DEFICIENCY; ICHTHYOSIS, SPASTIC NEUROLOGIC DISORDER, AND OLIGOPHRENIA. Identifiers: Orphanet 816, MedGen C0037231, MONDO:0010031, OMIM 270200.

Submission:

Myriad Genetics, Inc.
Classification: Pathogenic for Sjögren-Larsson syndrome. Last evaluated: 2025-10-07. Review status: criteria provided, single submitter. Criteria: Myriad Autosomal Dominant, Autosomal Recessive and X-Linked Classification Criteria (2023). Collection method: clinical testing. Allele origin: unknown.
Comment: NM_000382.2(ALDH3A2):c.358C>T(Q120*) is expected to be pathogenic in the context of Sjogren-Larsson syndrome. This variant is predicted to lead to an abnormal or absent protein product due to the creation of a premature termination codon in ALDH3A2, a gene where loss-of-function variants are known to be pathogenic. Please note: this variant was assessed in the context of healthy population screening.

NM_000382.3(ALDH3A2):c.358C>T (p.Gln120Ter)

Gene: ALDH3A2 (aldehyde dehydrogenase 3 family member A2; plus strand). Cytogenetic location: 17p11.2.
Variant type: single nucleotide variant.
Coding change: c.358C>T on transcript NM_000382.3 (MANE Select); coding-DNA position 358, C replaced by T.
Protein change: p.Gln120Ter; replaces glutamine 120 with a stop codon.
Molecular consequence: nonsense. On other transcripts: 5 prime UTR variant (1).
Genome position (GRCh38, 1-based): chr17:19,651,751, C>T. VCF-style: chr17-19651751-C-T. GRCh37 (hg19) VCF-style: chr17-19555064-C-T.
Other names: c.358C>T, p.Gln120Ter (NM_001031806.2, NM_001369136.1, NM_001369137.2 and 3 more transcripts); c.-331C>T (NM_001369148.2); short protein forms Q120*.
Identifiers: ClinVar variation 5015059 (VCV005015059.1).